The following is an entry in ClinVar:

NM_001211.6(BUB1B):c.1304G>A (p.Ser435Asn)

Gene: BUB1B (BUB1 mitotic checkpoint serine/threonine kinase B; plus strand). Cytogenetic location: 15q15.1.
Variant type: single nucleotide variant.
Coding change: c.1304G>A on transcript NM_001211.6 (MANE Select); coding-DNA position 1304, G replaced by A.
Protein change: p.Ser435Asn; replaces serine 435 with asparagine.
Molecular consequence: missense variant.
Genome position (GRCh38, 1-based): chr15:40,199,630, G>A. VCF-style: chr15-40199630-G-A. GRCh37 (hg19) VCF-style: chr15-40491831-G-A.
Other names: short protein forms S435N.
Identifiers: ClinVar variation 1769480 (VCV001769480.2), dbSNP rs2542554764, ClinGen allele CA391688599.

ClinVar aggregate classification (germline): Uncertain significance (1 of 4 stars; one submission).

Conditions:
Inborn genetic diseases. Identifiers: MedGen C0950123, MeSH D030342.

gnomAD v4.1: 6 of 1,613,944 alleles (0.00037%); highest among the groups gnomAD compares: Non-Finnish European, 0.00051%; no homozygotes.

Submission:

Ambry Genetics
Classification: Uncertain significance for Inborn genetic diseases. Last evaluated: 2021-08-28. Review status: criteria provided, single submitter. Criteria: Ambry Variant Classification Scheme 2023. Collection method: clinical testing. Allele origin: germline.
Comment: The p.S435N variant (also known as c.1304G>A), located in coding exon 10 of the BUB1B gene, results from a G to A substitution at nucleotide position 1304. The serine at codon 435 is replaced by asparagine, an amino acid with highly similar properties. This amino acid position is conserved. In addition, this alteration is predicted to be tolerated by in silico analysis. Since supporting evidence is limited at this time, the clinical significance of this alteration remains unclear.